The following is an entry in ClinVar:

NM_001846.4(COL4A2):c.2773C>T (p.Pro925Ser)

Gene: COL4A2 (collagen type IV alpha 2 chain; plus strand). Cytogenetic location: 13q34.
Variant type: single nucleotide variant.
Coding change: c.2773C>T on transcript NM_001846.4 (MANE Select); coding-DNA position 2773, C replaced by T.
Protein change: p.Pro925Ser; replaces proline 925 with serine.
Molecular consequence: missense variant.
Genome position (GRCh38, 1-based): chr13:110,482,530, C>T. VCF-style: chr13-110482530-C-T. GRCh37 (hg19) VCF-style: chr13-111134877-C-T.
Other names: c.2773C>T (NM_001846.2); short protein forms P925S.
Identifiers: ClinVar variation 3606803 (VCV003606803.3).

ClinVar aggregate classification (germline): Uncertain significance. Review status: criteria provided, multiple submitters, no conflicts (2 of 4 stars). 2 submissions from 2 submitters: Uncertain significance (2). Last evaluated 2024-12-01.

gnomAD v4.1: 5 of 1,614,122 alleles (0.00031%); highest among the groups gnomAD compares: East Asian, 0.0045%; no homozygotes.

Submissions (2):

GeneDx
Classification: Uncertain significance. Last evaluated: 2024-12-01. Review status: criteria provided, single submitter. Criteria: GeneDx Variant Classification Process June 2021. Collection method: clinical testing. Allele origin: germline. Affected: yes.
Comment: In silico analysis supports that this missense variant has a deleterious effect on protein structure/function; Has not been previously published as pathogenic or benign to our knowledge

Labcorp Genetics (formerly Invitae), Labcorp
Classification: Uncertain significance. Last evaluated: 2024-03-27. Review status: criteria provided, single submitter. Criteria: Invitae Variant Classification Sherloc (09022015). Collection method: clinical testing. Allele origin: germline.
Comment: This sequence change replaces proline, which is neutral and non-polar, with serine, which is neutral and polar, at codon 925 of the COL4A2 protein (p.Pro925Ser). This variant is present in population databases (rs181283055, gnomAD 0.0009%). This variant has not been reported in the literature in individuals affected with COL4A2-related conditions. Advanced modeling of protein sequence and biophysical properties (such as structural, functional, and spatial information, amino acid conservation, physicochemical variation, residue mobility, and thermodynamic stability) performed at Invitae indicates that this missense variant is not expected to disrupt COL4A2 protein function with a negative predictive value of 95%. In summary, the available evidence is currently insufficient to determine the role of this variant in disease. Therefore, it has been classified as a Variant of Uncertain Significance.